The following is an entry in ClinVar:

NM_001127511.3(APC):c.-90G>T

Gene: APC (APC regulator of Wnt signaling pathway; plus strand). Cytogenetic location: 5q22.2.
Variant type: single nucleotide variant.
Coding change: c.-90G>T on transcript NM_001127511.3; 90 bases upstream of the start codon, G replaced by T.
Molecular consequence: 5 prime UTR variant. On other transcripts: non-coding transcript variant (2).
Genome position (GRCh38, 1-based): chr5:112,707,628, G>T. VCF-style: chr5-112707628-G-T. GRCh37 (hg19) VCF-style: chr5-112043325-G-T.
Other names: c.-273G>T (NM_001354895.2, NM_001407447.1, NM_001407452.1 and 3 more transcripts); c.-90G>T (NM_001354897.2, NM_001354902.2, NM_001407446.1); c.-40G>T (NM_001407448.1, NM_001407450.1, NM_001407457.1 and 1 more transcripts); c.-64G>T (NM_001407453.1); c.-1308G>T (NM_001407470.1, NM_001407472.1).
Identifiers: ClinVar variation 1003477 (VCV001003477.9), dbSNP rs1750590013, ClinGen allele CA1573442560.
Genomic context (GRCh38, chr5:112,707,628, plus strand): 5'-GAAGCCTAGCCGCTGCTCGGGGGGGACCTGCGGGCTCAGGCCCGGGAGCTGCGGACCGAG[G>T]TTGGCTCGATGCTGTTCCCAGGTACTGTTGTTGGCTGTTGGTGAGGAAGGTGAAGCACTC-3'

ClinVar aggregate classification (germline): Uncertain significance (1 of 4 stars; one submission).

Conditions:
Familial adenomatous polyposis 1 (FAP1). Also called: FAMILIAL ADENOMATOUS POLYPOSIS 1, ATTENUATED; POLYPOSIS, ADENOMATOUS INTESTINAL. Identifiers: MedGen C2713442, MONDO:0021056, OMIM 175100. Disease mechanism: loss of function.

Submission:

Labcorp Genetics (formerly Invitae), Labcorp
Classification: Uncertain significance for Familial adenomatous polyposis 1. Last evaluated: 2022-03-29. Review status: criteria provided, single submitter. Criteria: Invitae Variant Classification Sherloc (09022015). Collection method: clinical testing. Allele origin: germline.
Comment: This variant occurs in a non-coding region of the APC gene. It does not change the encoded amino acid sequence of the APC protein. This variant is not present in population databases (gnomAD no frequency). This variant has not been reported in the literature in individuals affected with APC-related conditions. Experimental studies and prediction algorithms are not available or were not evaluated, and the functional significance of this variant is currently unknown. In summary, the available evidence is currently insufficient to determine the role of this variant in disease. Therefore, it has been classified as a Variant of Uncertain Significance.